The following is an entry in ClinVar:

NM_175914.5(HNF4A):c.1035C>T (p.Asp345=)

Gene: HNF4A (hepatocyte nuclear factor 4 alpha; plus strand). Cytogenetic location: 20q13.12.
Variant type: single nucleotide variant.
Coding change: c.1035C>T on transcript NM_175914.5 (MANE Select); coding-DNA position 1035, C replaced by T.
Protein change: p.Asp345=; no amino-acid change (aspartic acid 345 retained).
Molecular consequence: synonymous variant.
Genome position (GRCh38, 1-based): chr20:44,424,226, C>T. VCF-style: chr20-44424226-C-T. GRCh37 (hg19) VCF-style: chr20-43052866-C-T.
Other names: c.1101C>T, p.Asp367= (NM_000457.6, NM_178849.3, NM_178850.3); c.1035C>T, p.Asp345= (NM_001030003.3, NM_001030004.3); c.1080C>T, p.Asp360= (NM_001258355.2); c.1026C>T, p.Asp342= (NM_001287182.2, NM_001287183.2, NM_001287184.2).
Identifiers: ClinVar variation 2574795 (VCV002574795.1), dbSNP rs2515714800, ClinGen allele CA510583033.

ClinVar aggregate classification (germline): Uncertain significance (1 of 4 stars; one submission).

Allele frequency attached by ClinVar (database versions not stated): gnomAD exomes below 0.00001.
gnomAD v4.1: 1 of 1,614,082 alleles (0.000062%); highest among the groups gnomAD compares: Non-Finnish European, 0.000085%; no homozygotes.

Submission:

GeneDx
Classification: Uncertain significance. Last evaluated: 2023-02-01. Review status: criteria provided, single submitter. Criteria: GeneDx Variant Classification Process June 2021. Collection method: clinical testing. Allele origin: germline. Affected: yes.
Comment: Not observed at significant frequency in large population cohorts (gnomAD); In silico analysis supports that this variant does not alter splicing; Has not been previously published as pathogenic or benign to our knowledge